The following is an entry in ClinVar:

NM_001330260.2(SCN8A):c.4697C>T (p.Thr1566Ile)

Gene: SCN8A (sodium voltage-gated channel alpha subunit 8; plus strand). Cytogenetic location: 12q13.13.
Variant type: single nucleotide variant.
Coding change: c.4697C>T on transcript NM_001330260.2 (MANE Select); coding-DNA position 4697, C replaced by T.
Protein change: p.Thr1566Ile; replaces threonine 1566 with isoleucine.
Molecular consequence: missense variant.
Genome position (GRCh38, 1-based): chr12:51,794,543, C>T. VCF-style: chr12-51794543-C-T. GRCh37 (hg19) VCF-style: chr12-52188327-C-T.
Other names: c.4574C>T, p.Thr1525Ile (NM_001177984.3, NM_001369788.1); c.4697C>T, p.Thr1566Ile (NM_014191.4); c.4697C>T (NM_014191.2); short protein forms T1525I, T1566I.
Identifiers: ClinVar variation 1013824 (VCV001013824.10), dbSNP rs1938354052, ClinGen allele CA384879161.

ClinVar aggregate classification (germline): Conflicting classifications of pathogenicity. Review status: criteria provided, conflicting classifications (1 of 4 stars). 2 submissions from 2 submitters: Likely pathogenic (1); Uncertain significance (1). Last evaluated 2025-11-10.

Conditions:
Early-infantile DEE. Also called: Ohtahara syndrome; Early infantile epileptic encephalopathy with suppression bursts; Early infantile epileptic encephalopathy. Identifiers: Orphanet 1934, MedGen C0393706, MONDO:0800491.
Inborn genetic diseases. Identifiers: MedGen C0950123, MeSH D030342.

Submissions (2):

Ambry Genetics
Classification: Likely pathogenic for Inborn genetic diseases. Last evaluated: 2025-11-10. Review status: criteria provided, single submitter. Criteria: Ambry Variant Classification Scheme 2023. Collection method: clinical testing. Allele origin: germline.
Comment: The c.4697C>T (p.T1566I) alteration is located in exon 26 (coding exon 25) of the SCN8A gene. This alteration results from a C to T substitution at nucleotide position 4697, causing the threonine (T) at amino acid position 1566 to be replaced by an isoleucine (I). This variant was not reported in population-based cohorts in the Genome Aggregation Database (gnomAD). This variant was determined to be de novo in at least one individual with features consistent with SCN8A-related disorder (Cavirani, 2024; Zhang, 2024). This amino acid position is highly conserved in available vertebrate species. This alteration is predicted to be deleterious by in silico analysis. Based on the available evidence, this alteration is classified as likely pathogenic.

Labcorp Genetics (formerly Invitae), Labcorp
Classification: Uncertain significance for Early-infantile DEE. Last evaluated: 2022-08-23. Review status: criteria provided, single submitter. Criteria: Invitae Variant Classification Sherloc (09022015). Collection method: clinical testing. Allele origin: germline.
Comment: Algorithms developed to predict the effect of missense changes on protein structure and function are either unavailable or do not agree on the potential impact of this missense change (SIFT: "Deleterious"; PolyPhen-2: "Probably Damaging"; Align-GVGD: "Class C0"). In summary, the available evidence is currently insufficient to determine the role of this variant in disease. Therefore, it has been classified as a Variant of Uncertain Significance. This variant is not present in population databases (gnomAD no frequency). ClinVar contains an entry for this variant (Variation ID: 1013824). This variant has not been reported in the literature in individuals affected with SCN8A-related conditions. This sequence change replaces threonine, which is neutral and polar, with isoleucine, which is neutral and non-polar, at codon 1566 of the SCN8A protein (p.Thr1566Ile).

Literature cited by the submitters: PubMed 38279250 (cited by Ambry Genetics); PubMed 38311555 (cited by Ambry Genetics).